The following is an entry in ClinVar:

NM_000124.4(ERCC6):c.3508G>T (p.Glu1170Ter)

Gene: ERCC6 (ERCC excision repair 6, chromatin remodeling factor; minus strand). Cytogenetic location: 10q11.23.
Variant type: single nucleotide variant.
Coding change: c.3508G>T on transcript NM_000124.4 (MANE Select); coding-DNA position 3508, G replaced by T.
Protein change: p.Glu1170Ter; replaces glutamic acid 1170 with a stop codon.
Molecular consequence: nonsense.
Genome position (GRCh38, 1-based): chr10:49,470,452, C>A on the plus strand (G>T on the coding strand, the complement: ERCC6 is on the minus strand). VCF-style: chr10-49470452-C-A. GRCh37 (hg19) VCF-style: chr10-50678498-C-A.
Other names: c.3508G>T, p.Glu1170Ter (NM_001346440.2); short protein forms E1170*.
Identifiers: ClinVar variation 2781217 (VCV002781217.3), dbSNP rs2495971762, ClinGen allele CA376714229.

ClinVar aggregate classification (germline): Pathogenic (1 of 4 stars; one submission).

Allele frequency attached by ClinVar (database versions not stated): gnomAD exomes below 0.00001.

Submission:

Labcorp Genetics (formerly Invitae), Labcorp
Classification: Pathogenic. Last evaluated: 2023-04-09. Review status: criteria provided, single submitter. Criteria: Invitae Variant Classification Sherloc (09022015). Collection method: clinical testing. Allele origin: germline.
Comment: This sequence change creates a premature translational stop signal (p.Glu1170*) in the ERCC6 gene. It is expected to result in an absent or disrupted protein product. Loss-of-function variants in ERCC6 are known to be pathogenic (PMID: 18628313, 29572252). For these reasons, this variant has been classified as Pathogenic. This variant has not been reported in the literature in individuals affected with ERCC6-related conditions. This variant is not present in population databases (gnomAD no frequency).

Literature cited by the submitters: PubMed 18628313; PubMed 29572252.